The following is an entry in ClinVar:

NM_032444.4(SLX4):c.4667C>A (p.Pro1556His)

Gene: SLX4 (SLX4 structure-specific endonuclease subunit; minus strand). Cytogenetic location: 16p13.3.
Variant type: single nucleotide variant.
Coding change: c.4667C>A on transcript NM_032444.4 (MANE Select); coding-DNA position 4667, C replaced by A.
Protein change: p.Pro1556His; replaces proline 1556 with histidine.
Molecular consequence: missense variant.
Genome position (GRCh38, 1-based): chr16:3,584,841, G>T on the plus strand (C>A on the coding strand, the complement: SLX4 is on the minus strand). VCF-style: chr16-3584841-G-T. GRCh37 (hg19) VCF-style: chr16-3634842-G-T.
Other names: short protein forms P1556H.
Identifiers: ClinVar variation 3694961 (VCV003694961.2).

ClinVar aggregate classification (germline): Uncertain significance (1 of 4 stars; one submission).

Conditions:
Fanconi anemia (FA). Also called: Fanconi's anemia. Identifiers: Orphanet 84, MedGen C0015625, MeSH D005199, MONDO:0019391.

gnomAD v4.1: 2 of 1,614,038 alleles (0.00012%); highest among the groups gnomAD compares: Non-Finnish European, 0.00017%; no homozygotes.

Submission:

Labcorp Genetics (formerly Invitae), Labcorp
Classification: Uncertain significance for Fanconi anemia. Last evaluated: 2025-01-20. Review status: criteria provided, single submitter. Criteria: Invitae Variant Classification Sherloc (09022015). Collection method: clinical testing. Allele origin: germline.
Comment: This sequence change replaces proline, which is neutral and non-polar, with histidine, which is basic and polar, at codon 1556 of the SLX4 protein (p.Pro1556His). This variant is not present in population databases (gnomAD no frequency). This variant has not been reported in the literature in individuals affected with SLX4-related conditions. An algorithm developed to predict the effect of missense changes on protein structure and function (PolyPhen-2) suggests that this variant is likely to be disruptive. In summary, the available evidence is currently insufficient to determine the role of this variant in disease. Therefore, it has been classified as a Variant of Uncertain Significance.